The following is an entry in ClinVar:

ClinVar aggregate classification (germline): Benign (0 of 4 stars; one submission).

Conditions:
PIWIL1-related disorder. Also called: PIWIL1-related condition.

Allele frequency attached by ClinVar (database versions not stated): 1000 Genomes Project 30x 0.00016; 1000 Genomes Project 0.00020; gnomAD 0.00070; TOPMed 0.00070; gnomAD exomes 0.00072; ExAC 0.00077; ESP Exome Variant Server 0.00092.
gnomAD v4.1: 1,210 of 1,614,208 alleles (0.075%); highest among the groups gnomAD compares: Non-Finnish European, 0.043%; 5 homozygotes.

Submission:

PreventionGenetics, part of Exact Sciences
Classification: Benign for PIWIL1-related condition. Last evaluated: 2019-07-12. Review status: no assertion criteria provided. Collection method: clinical testing. Allele origin: germline.
Comment: This variant is classified as benign based on ACMG/AMP sequence variant interpretation guidelines (Richards et al. 2015 PMID: 25741868, with internal and published modifications).

NM_004764.5(PIWIL1):c.2103C>T (p.Arg701=)

Gene: PIWIL1 (piwi like RNA-mediated gene silencing 1; plus strand). Cytogenetic location: 12q24.33.
Variant type: single nucleotide variant.
Coding change: c.2103C>T on transcript NM_004764.5 (MANE Select); coding-DNA position 2103, C replaced by T.
Protein change: p.Arg701=; no amino-acid change (arginine 701 retained).
Molecular consequence: synonymous variant.
Genome position (GRCh38, 1-based): chr12:130,363,052, C>T. VCF-style: chr12-130363052-C-T. GRCh37 (hg19) VCF-style: chr12-130847597-C-T.
Other names: c.2103C>T, p.Arg701= (NM_001190971.2).
Identifiers: ClinVar variation 3056973 (VCV003056973.2), dbSNP rs143082104, ClinGen allele CA6877443.